The following is an entry in ClinVar:

NM_004239.4(TRIP11):c.3401T>C (p.Ile1134Thr)

Gene: TRIP11 (thyroid hormone receptor interactor 11; minus strand). Cytogenetic location: 14q32.12.
Variant type: single nucleotide variant.
Coding change: c.3401T>C on transcript NM_004239.4 (MANE Select); coding-DNA position 3401, T replaced by C.
Protein change: p.Ile1134Thr; replaces isoleucine 1134 with threonine.
Molecular consequence: missense variant.
Genome position (GRCh38, 1-based): chr14:92,004,575, A>G on the plus strand (T>C on the coding strand, the complement: TRIP11 is on the minus strand). VCF-style: chr14-92004575-A-G. GRCh37 (hg19) VCF-style: chr14-92470919-A-G.
Other names: c.3398T>C, p.Ile1133Thr (NM_001321851.1); short protein forms I1133T, I1134T.
Identifiers: ClinVar variation 1015221 (VCV001015221.7), dbSNP rs562038091, ClinGen allele CA265608020.
Genomic context (GRCh38, chr14:92,004,575, plus strand): 5'-ATATCTTGGCCACTACTTTCAAATCTAGTGGACAATTTTTTATTTTCATCTTGCAGTTTG[A>G]TAAGAGCTGCTTCCTTGGCAGCAACAATATCCATCATTTTGTGATATTCTGTTTTTAGAT-3'
Protein context (NP_004230.2, residues 1124-1144): DIVAAKEAAL[Ile1134Thr]KLQDENKKLS

ClinVar aggregate classification (germline): Uncertain significance (1 of 4 stars; one submission).

Conditions:
Achondrogenesis, type IA (ACG1A). Identifiers: Orphanet 932, Orphanet 93299, MedGen C0265273, MONDO:0008701, OMIM 200600.

Allele frequency attached by ClinVar (database versions not stated): gnomAD 0.00001; gnomAD exomes 0.00001; TOPMed 0.00001; 1000 Genomes Project 30x 0.00016; 1000 Genomes Project 0.00020.
gnomAD v4.1: 9 of 1,613,962 alleles (0.00056%); highest among the groups gnomAD compares: Middle Eastern, 0.017%; no homozygotes.

Submission:

Labcorp Genetics (formerly Invitae), Labcorp
Classification: Uncertain significance for Achondrogenesis, type IA. Last evaluated: 2020-07-12. Review status: criteria provided, single submitter. Criteria: Invitae Variant Classification Sherloc (09022015). Collection method: clinical testing. Allele origin: germline.
Comment: In summary, the available evidence is currently insufficient to determine the role of this variant in disease. Therefore, it has been classified as a Variant of Uncertain Significance. Algorithms developed to predict the effect of missense changes on protein structure and function output the following: SIFT: "Not Available"; PolyPhen-2: "Benign"; Align-GVGD: "Not Available". The threonine amino acid residue is found in multiple mammalian species, suggesting that this missense change does not adversely affect protein function. These predictions have not been confirmed by published functional studies and their clinical significance is uncertain. This variant has not been reported in the literature in individuals with TRIP11-related conditions. This variant is not present in population databases (ExAC no frequency). This sequence change replaces isoleucine with threonine at codon 1134 of the TRIP11 protein (p.Ile1134Thr). The isoleucine residue is weakly conserved and there is a moderate physicochemical difference between isoleucine and threonine.